The following is an entry in ClinVar:

NM_001943.5(DSG2):c.2996C>G (p.Ser999Trp)

Genes: DSG2 (desmoglein 2; plus strand), DSG2-AS1 (DSG2 antisense RNA 1; minus strand). Cytogenetic location: 18q12.1.
Variant type: single nucleotide variant.
Coding change: c.2996C>G on transcript NM_001943.5 (MANE Select); coding-DNA position 2996, C replaced by G.
Protein change: p.Ser999Trp; replaces serine 999 with tryptophan.
Molecular consequence: missense variant.
Genome position (GRCh38, 1-based): chr18:31,546,382, C>G. VCF-style: chr18-31546382-C-G. GRCh37 (hg19) VCF-style: chr18-29126345-C-G.
Other names: short protein forms S999W.
Identifiers: ClinVar variation 3074893 (VCV003074893.1), dbSNP rs762717195, ClinGen allele CA402147704.
Genomic context (GRCh38, chr18:31,546,382, plus strand): 5'-ATGCTAATGAAGGTACAGTTGTGGTCACTGAAAGAGTAATACAGCCTCATGGGGGTGGAT[C>G]GAATCCTCTGGAAGGCACTCAGCATCTTCAAGATGTACCTTACGTCATGGTGAGGGAAAG-3'
Protein context (NP_001934.2, residues 989-1009): ERVIQPHGGG[Ser999Trp]NPLEGTQHLQ

ClinVar aggregate classification (germline): Uncertain significance (1 of 4 stars; one submission).

Conditions:
Arrhythmogenic right ventricular cardiomyopathy (ARVD). Also called: Arrhythmogenic right ventricular dysplasia; Cardiomyopathy, ARVC; Arrhythmogenic cardiomyopathy; Arrhythmogenic Right Ventricular Cardiomyopathy (ARVC). Identifiers: Orphanet 247, MedGen C0349788, MeSH D019571, MONDO:0016587. Disease mechanism: loss of function. Inheritance: Various modes of inheritance.

gnomAD v4.1: 6 of 1,614,004 alleles (0.00037%); highest among the groups gnomAD compares: Non-Finnish European, 0.00042%; no homozygotes.

Submission:

All of Us Research Program, National Institutes of Health
Classification: Uncertain significance for Arrhythmogenic right ventricular cardiomyopathy. Last evaluated: 2023-12-13. Review status: criteria provided, single submitter. Criteria: ACMG Guidelines, 2015. Collection method: clinical testing. Allele origin: germline. Inheritance: Autosomal dominant inheritance. Observed: 1 variant allele, 1 heterozygote.
Comment: This missense variant replaces serine with tryptophan at codon 999 of the DSG2 protein. Computational prediction suggests that this variant may not impact protein structure and function (internally defined REVEL score threshold <= 0.5, PMID: 27666373). To our knowledge, functional studies have not been reported for this variant. This variant has not been reported in individuals affected with DSG2-related disorders in the literature. This variant has been identified in 2/249218 chromosomes in the general population by the Genome Aggregation Database (gnomAD). The available evidence is insufficient to determine the role of this variant in disease conclusively. Therefore, this variant is classified as a Variant of Uncertain Significance.

This study involves interpretation of variants in research participants for the purpose of population health screening. Participant phenotype was not available at the time of variant classification. Additional details can be found in publication PMID: 35346344, PMCID: PMC8962531